The following is an entry in ClinVar:

ClinVar aggregate classification (germline): Uncertain significance. Review status: criteria provided, single submitter (1 of 4 stars). 2 submissions from 2 submitters: Uncertain significance (1). 1 of the submissions does not count toward it. Last evaluated 2018-01-13.

Conditions:
MRAP-related disorder. Also called: MRAP-related condition.
Glucocorticoid deficiency 2 (GCCD2). Also called: FAMILIAL GLUCOCORTICOID DEFICIENCY 2. Identifiers: Orphanet 361, MedGen C4049714, MONDO:0011826, OMIM 607398.

Allele frequency attached by ClinVar (database versions not stated): ExAC 0.00028; ESP Exome Variant Server 0.00062; TOPMed 0.00073; gnomAD 0.00083 and 0.00086; 1000 Genomes Project 30x 0.00203; 1000 Genomes Project 0.00220.
gnomAD v4.1: 376 of 1,613,258 alleles (0.023%); highest among the groups gnomAD compares: African/African-American, 0.35%; 3 homozygotes.

Submissions (2):

Illumina Laboratory Services, Illumina
Classification: Uncertain significance for Glucocorticoid deficiency 2. Last evaluated: 2018-01-13. Review status: criteria provided, single submitter. Criteria: ICSL Variant Classification Criteria 13 December 2019. Collection method: clinical testing. Allele origin: germline.

PreventionGenetics, part of Exact Sciences
Classification: Likely benign for MRAP-related condition. Last evaluated: 2022-03-23. Review status: no assertion criteria provided. Collection method: clinical testing. Allele origin: germline. Not counted in ClinVar's aggregate classification.
Comment: This variant is classified as likely benign based on ACMG/AMP sequence variant interpretation guidelines (Richards et al. 2015 PMID: 25741868, with internal and published modifications).

NM_001379228.1(MRAP):c.508T>A (p.Leu170Met)

Genes: MRAP (melanocortin 2 receptor accessory protein; plus strand), URB1 (URB1 ribosome biogenesis factor; minus strand). Cytogenetic location: 21q22.11.
Variant type: single nucleotide variant.
Coding change: c.508T>A on transcript NM_001379228.1 (MANE Select); coding-DNA position 508, T replaced by A.
Protein change: p.Leu170Met; replaces leucine 170 with methionine.
Molecular consequence: missense variant. On other transcripts: 3 prime UTR variant (1), intron variant (1).
Genome position (GRCh38, 1-based): chr21:32,311,985, T>A. VCF-style: chr21-32311985-T-A. GRCh37 (hg19) VCF-style: chr21-33684296-T-A.
Other names: c.331T>A, p.Leu111Met (NM_001285394.2); c.508T>A, p.Leu170Met (NM_178817.4); c.*2933A>T (NM_014825.3); c.207-2566T>A (NM_206898.2); short protein forms L170M, L111M.
Identifiers: ClinVar variation 339686 (VCV000339686.7), dbSNP rs142897309, ClinGen allele CA10001081.